The following is an entry in ClinVar:

NM_000153.4(GALC):c.1993G>A (p.Ala665Thr)

Gene: GALC (galactosylceramidase; minus strand). Cytogenetic location: 14q31.3.
Variant type: single nucleotide variant.
Coding change: c.1993G>A on transcript NM_000153.4 (MANE Select); coding-DNA position 1993, G replaced by A.
Protein change: p.Ala665Thr; replaces alanine 665 with threonine.
Molecular consequence: missense variant. On other transcripts: non-coding transcript variant (1), intron variant (1).
Genome position (GRCh38, 1-based): chr14:87,934,797, C>T on the plus strand (G>A on the coding strand, the complement: GALC is on the minus strand). VCF-style: chr14-87934797-C-T. GRCh37 (hg19) VCF-style: chr14-88401141-C-T.
Other names: c.1924G>A, p.Ala642Thr (NM_001201401.2); c.1915G>A, p.Ala639Thr (NM_001201402.2); c.1825G>A, p.Ala609Thr (NM_001424071.1, NM_001424072.1); c.1645G>A, p.Ala549Thr (NM_001424074.1, NM_001424075.1); c.1360G>A, p.Ala454Thr (NM_001424076.1, NM_001424077.1); c.1744-798G>A (NM_001424073.1); short protein forms A454T, A549T, A609T, A639T, A642T, A665T.
Identifiers: ClinVar variation 3251930 (VCV003251930.1), dbSNP rs762593303.

ClinVar aggregate classification (germline): Uncertain significance (1 of 4 stars; one submission).

Allele frequency attached by ClinVar (database versions not stated): gnomAD exomes 0.00001; TOPMed 0.00002; ExAC 0.00003.
gnomAD v4.1: 6 of 1,612,966 alleles (0.00037%); highest among the groups gnomAD compares: Non-Finnish European, 0.00051%; no homozygotes.

Submission:

Women's Health and Genetics/Laboratory Corporation of America, LabCorp
Classification: Uncertain significance. Last evaluated: 2024-04-16. Review status: criteria provided, single submitter. Criteria: LabCorp Variant Classification Summary - May 2015. Collection method: clinical testing. Allele origin: germline.
Comment: Variant summary: GALC c.1993G>A (p.Ala665Thr) results in a non-conservative amino acid change located in the Galactocerebrosidase, C-terminal lectin domain (PF21708) of the encoded protein sequence. Five of five in-silico tools predict a damaging effect of the variant on protein function. The variant allele was found at a frequency of 1.2e-05 in 248622 control chromosomes. The available data on variant occurrences in the general population are insufficient to allow any conclusion about variant significance. c.1993G>A has been reported in the literature in 1 allele from a newborn screening cohort with low GALC activity, however, it is unclear if it was in a heterozygous carrier or an affected individual with biallelic variants (Orsini_2016). This report does not provide unequivocal conclusions about association of the variant with Krabbe Disease. To our knowledge, no experimental evidence demonstrating an impact on protein function has been reported. The following publication has been ascertained in the context of this evaluation (PMID: 26795590). No submitters have cited clinical-significance assessments for this variant to ClinVar. Based on the evidence outlined above, the variant was classified as uncertain significance.

Literature cited by the submitters: PubMed 26795590.